The following is an entry in ClinVar:

NM_194248.3(OTOF):c.1357G>A (p.Asp453Asn)

Gene: OTOF (otoferlin; minus strand). Cytogenetic location: 2p23.3.
Variant type: single nucleotide variant.
Coding change: c.1357G>A on transcript NM_194248.3 (MANE Select); coding-DNA position 1357, G replaced by A.
Protein change: p.Asp453Asn; replaces aspartic acid 453 with asparagine.
Molecular consequence: missense variant.
Genome position (GRCh38, 1-based): chr2:26,483,497, C>T on the plus strand (G>A on the coding strand, the complement: OTOF is on the minus strand). VCF-style: chr2-26483497-C-T. GRCh37 (hg19) VCF-style: chr2-26706365-C-T.
Other names: c.1357G>A, p.Asp453Asn (NM_001287489.2); c.1357G>A (NM_194248.2); short protein forms D453N.
Identifiers: ClinVar variation 4954122 (VCV004954122.2).

ClinVar aggregate classification (germline): Uncertain significance. Review status: criteria provided, multiple submitters, no conflicts (2 of 4 stars). 2 submissions from 2 submitters: Uncertain significance (2). Last evaluated 2025-12-01.

Conditions:
OTOF-related disorder. Also called: OTOF-related condition.

gnomAD v4.1: 82 of 1,613,814 alleles (0.0051%); highest among the groups gnomAD compares: Non-Finnish European, 0.0069%; no homozygotes.

Submissions (2):

PreventionGenetics, part of Exact Sciences
Classification: Uncertain significance for OTOF-related condition. Last evaluated: 2025-12-01. Review status: criteria provided, single submitter. Criteria: ACMG Guidelines, 2015. Collection method: clinical testing. Allele origin: germline.
Comment: The OTOF c.1357G>A variant is predicted to result in the amino acid substitution p.Asp453Asn. To our knowledge, this variant has not been reported in the literature. This variant is reported in 0.0018% of alleles in individuals of European (Non-Finnish) descent in gnomAD. At this time, the clinical significance of this variant is uncertain due to the absence of conclusive functional and genetic evidence.

Blueprint Genetics
Classification: Uncertain significance. Last evaluated: 2021-07-13. Review status: criteria provided, single submitter. Criteria: ACMG Guidelines, 2015. Collection method: clinical testing. Allele origin: germline.